The following is an entry in ClinVar:

NM_001394062.1(MACF1):c.19659A>G (p.Gln6553=)

Gene: MACF1 (microtubule actin crosslinking factor 1; plus strand). Cytogenetic location: 1p34.3.
Variant type: single nucleotide variant.
Coding change: c.19659A>G on transcript NM_001394062.1 (MANE Select); coding-DNA position 19659, A replaced by G.
Protein change: p.Gln6553=; no amino-acid change (glutamine 6553 retained).
Molecular consequence: synonymous variant.
Genome position (GRCh38, 1-based): chr1:39,447,485, A>G. VCF-style: chr1-39447485-A-G. GRCh37 (hg19) VCF-style: chr1-39913157-A-G.
Other names: c.7737A>G, p.Gln2579= (NM_001397473.1); c.13482A>G, p.Gln4494= (NM_012090.5).
Identifiers: ClinVar variation 3036140 (VCV003036140.2), dbSNP rs1212634352, ClinGen allele CA417285187.

ClinVar aggregate classification (germline): Likely benign (0 of 4 stars; one submission).

Conditions:
MACF1-related disorder. Also called: MACF1-related condition.

Allele frequency attached by ClinVar (database versions not stated): gnomAD 0.00001; TOPMed 0.00002; gnomAD exomes 0.00003.
gnomAD v4.1: 43 of 1,614,048 alleles (0.0027%); highest among the groups gnomAD compares: Non-Finnish European, 0.0036%; no homozygotes.

Submission:

PreventionGenetics, part of Exact Sciences
Classification: Likely benign for MACF1-related condition. Last evaluated: 2023-09-12. Review status: no assertion criteria provided. Collection method: clinical testing. Allele origin: germline.
Comment: This variant is classified as likely benign based on ACMG/AMP sequence variant interpretation guidelines (Richards et al. 2015 PMID: 25741868, with internal and published modifications).